The following is an entry in ClinVar:

ClinVar aggregate classification (germline): Uncertain significance (1 of 4 stars; one submission).

Submission:

Labcorp Genetics (formerly Invitae), Labcorp
Classification: Uncertain significance. Last evaluated: 2024-02-23. Review status: criteria provided, single submitter. Criteria: Invitae Variant Classification Sherloc (09022015). Collection method: clinical testing. Allele origin: germline.
Comment: This sequence change replaces lysine, which is basic and polar, with arginine, which is basic and polar, at codon 598 of the ANKRD26 protein (p.Lys598Arg). This variant is not present in population databases (gnomAD no frequency). This variant has not been reported in the literature in individuals affected with ANKRD26-related conditions. An algorithm developed to predict the effect of missense changes on protein structure and function (PolyPhen-2) suggests that this variant is likely to be tolerated. In summary, the available evidence is currently insufficient to determine the role of this variant in disease. Therefore, it has been classified as a Variant of Uncertain Significance.

NM_014915.3(ANKRD26):c.1793A>G (p.Lys598Arg)

Gene: ANKRD26 (ankyrin repeat domain 26; minus strand). Cytogenetic location: 10p12.1.
Variant type: single nucleotide variant.
Coding change: c.1793A>G on transcript NM_014915.3 (MANE Select); coding-DNA position 1793, A replaced by G.
Protein change: p.Lys598Arg; replaces lysine 598 with arginine.
Molecular consequence: missense variant.
Genome position (GRCh38, 1-based): chr10:27,048,822, T>C on the plus strand (A>G on the coding strand, the complement: ANKRD26 is on the minus strand). VCF-style: chr10-27048822-T-C. GRCh37 (hg19) VCF-style: chr10-27337751-T-C.
Other names: c.1793A>G, p.Lys598Arg (NM_001256053.2); short protein forms K598R.
Identifiers: ClinVar variation 2785358 (VCV002785358.3), dbSNP rs2538895175, ClinGen allele CA376353677.